The following is an entry in ClinVar:

ClinVar aggregate classification (germline): Pathogenic. Review status: criteria provided, multiple submitters, no conflicts (2 of 4 stars). 2 submissions from 2 submitters: Pathogenic (2). Last evaluated 2024-11-02.

Conditions:
Autosomal recessive nonsyndromic hearing loss 3. Also called: NEUROSENSORY NONSYNDROMIC RECESSIVE DEAFNESS 3. Identifiers: Orphanet 90636, MedGen C1838263, MONDO:0010860, OMIM 600316.

Submissions (2):

ENT and Head and Neck Research Center and Department,  The Five Senses Health Institute, Iran University of Medical Sciences
Classification: Pathogenic for Autosomal recessive nonsyndromic hearing loss 3. Last evaluated: 2024-11-02. Review status: criteria provided, single submitter. Criteria: ClinGen HL ACMG Specifications v1. Collection method: clinical testing. Allele origin: germline. Affected: yes.
Comment: PVS1: Null variant (nonsense) in gene MYO15A, predicted to cause NMD. Loss-of-function is a known mechanism of disease (gene has 448 reported pathogenic LOF variants). The exon affects 2 functional domains: UniProt protein MYO15_HUMAN domain 'FERM' and UniProt protein MYO15_HUMAN region of interest 'Tail'. The exon contains 7 pathogenic variants. The truncated region contains 10 pathogenic variants., PP5: Combined evidence strength is Supporting (score = 1).Supporting: ClinVar classifies this variant as Pathogenic, 1 star (reviewed Oct '22, 1 submission)., PM2: Variant not found in gnomAD genomes, good gnomAD genomes coverage

Genetics Laboratory, Department of Biology, Semnan University
Classification: Pathogenic for Autosomal recessive nonsyndromic hearing loss 3. Last evaluated: 2018-01-10. Review status: criteria provided, single submitter. Criteria: ACMG Guidelines, 2015. Collection method: case-control. Allele origin: inherited. Inheritance: Autosomal recessive inheritance. Affected: yes. Observed: 1 homozygote.
Comment: The identified mutation leads to the substitution of Leucine 3475 with a stop codon (Y3475X) in the Myo15A protein. Hence, this substitution alters the amino acid sequence and leads to a premature stop codon at position 3475 with the complete loss of 56 out of 3530 amino acids in the wild type protein sequence leading to truncated protein.

Literature cited by the submitters: DOI 10.1038/s41598-025-99417-7 (cited by ENT and Head and Neck Research Center and Department,  The Five Senses Health Institute, Iran University of Medical Sciences).

NM_016239.4(MYO15A):c.10425C>A (p.Tyr3475Ter)

Gene: MYO15A (myosin XVA; plus strand). Cytogenetic location: 17p11.2.
Variant type: single nucleotide variant.
Coding change: c.10425C>A on transcript NM_016239.4 (MANE Select); coding-DNA position 10425, C replaced by A.
Protein change: p.Tyr3475Ter; replaces tyrosine 3475 with a stop codon.
Molecular consequence: nonsense.
Genome position (GRCh38, 1-based): chr17:18,173,855, C>A. VCF-style: chr17-18173855-C-A. GRCh37 (hg19) VCF-style: chr17-18077169-C-A.
Other names: short protein forms Y3475*.
Identifiers: ClinVar variation 1708470 (VCV001708470.4), dbSNP rs2545338581, ClinGen allele CA398645224.